The following is an entry in ClinVar:

ClinVar aggregate classification (germline): Benign/Likely benign. Review status: criteria provided, multiple submitters, no conflicts (2 of 4 stars). 3 submissions from 3 submitters: Benign (1); Likely benign (2). Last evaluated 2025-10-21.

Conditions:
Emery-Dreifuss muscular dystrophy 5, autosomal dominant (EDMD5). Also called: EMERY-DREIFUSS MUSCULAR DYSTROPHY 5. Identifiers: Orphanet 261, MedGen C2751805, MONDO:0013072, OMIM 612999.

Allele frequency attached by ClinVar (database versions not stated): TOPMed 0.00004; gnomAD exomes 0.00051 and 0.00123; 1000 Genomes Project 30x 0.00062; 1000 Genomes Project 0.00080; ExAC 0.00085; gnomAD 0.00097 and 0.00102.
gnomAD v4.1: 878 of 1,597,824 alleles (0.055%); highest among the groups gnomAD compares: Non-Finnish European, 0.0081%; 4 homozygotes.

Submissions (3):

Labcorp Genetics (formerly Invitae), Labcorp
Classification: Benign for Emery-Dreifuss muscular dystrophy 5, autosomal dominant. Last evaluated: 2025-10-21. Review status: criteria provided, single submitter. Criteria: Invitae Variant Classification Sherloc (09022015). Collection method: clinical testing. Allele origin: germline.

CeGaT Center for Human Genetics Tuebingen
Classification: Likely benign. Last evaluated: 2025-03-01. Review status: criteria provided, single submitter. Criteria: CeGaT Center For Human Genetics Tuebingen Variant Classification Criteria Version 2. Collection method: clinical testing. Allele origin: germline. Affected: yes. Observed: 1 variant allele.
Comment: SYNE2: BP4

Blueprint Genetics
Classification: Likely benign. Last evaluated: 2024-11-07. Review status: criteria provided, single submitter. Criteria: ACMG Guidelines, 2015. Collection method: clinical testing. Allele origin: germline.

NM_182914.3(SYNE2):c.1724A>G (p.Tyr575Cys)

Gene: SYNE2 (spectrin repeat containing nuclear envelope protein 2; plus strand). Cytogenetic location: 14q23.2.
Variant type: single nucleotide variant.
Coding change: c.1724A>G on transcript NM_182914.3 (MANE Select); coding-DNA position 1724, A replaced by G.
Protein change: p.Tyr575Cys; replaces tyrosine 575 with cysteine.
Molecular consequence: missense variant.
Genome position (GRCh38, 1-based): chr14:63,981,061, A>G. VCF-style: chr14-63981061-A-G. GRCh37 (hg19) VCF-style: chr14-64447779-A-G.
Other names: c.1724A>G, p.Tyr575Cys (NM_015180.6); short protein forms Y575C.
Identifiers: ClinVar variation 1611809 (VCV001611809.16), dbSNP rs181140390, ClinGen allele CA7219509.